The following is an entry in ClinVar:

NM_018089.3(ANKZF1):c.677A>G (p.Glu226Gly)

Gene: ANKZF1 (ankyrin repeat and zinc finger peptidyl tRNA hydrolase 1; plus strand). Cytogenetic location: 2q35.
Variant type: single nucleotide variant.
Coding change: c.677A>G on transcript NM_018089.3 (MANE Select); coding-DNA position 677, A replaced by G.
Protein change: p.Glu226Gly; replaces glutamic acid 226 with glycine.
Molecular consequence: missense variant.
Genome position (GRCh38, 1-based): chr2:219,233,291, A>G. VCF-style: chr2-219233291-A-G. GRCh37 (hg19) VCF-style: chr2-220098013-A-G.
Other names: c.677A>G (NM_018089.2); c.677A>G, p.Glu226Gly (NM_001042410.2); c.47A>G, p.Glu16Gly (NM_001282792.2); short protein forms E226G, E16G.
Identifiers: ClinVar variation 1393995 (VCV001393995.7), dbSNP rs771815745, ClinGen allele CA2120830.

ClinVar aggregate classification (germline): Uncertain significance. Review status: criteria provided, multiple submitters, no conflicts (2 of 4 stars). 2 submissions from 2 submitters: Uncertain significance (2). Last evaluated 2025-11-04.

Allele frequency attached by ClinVar (database versions not stated): ExAC 0.00002; gnomAD exomes 0.00002 and 0.00003; TOPMed 0.00010; gnomAD 0.00012.

Submissions (2):

Labcorp Genetics (formerly Invitae), Labcorp
Classification: Uncertain significance. Last evaluated: 2025-11-04. Review status: criteria provided, single submitter. Criteria: Invitae Variant Classification Sherloc (09022015). Collection method: clinical testing. Allele origin: germline.
Comment: This sequence change replaces glutamic acid, which is acidic and polar, with glycine, which is neutral and non-polar, at codon 226 of the ANKZF1 protein (p.Glu226Gly). This variant is present in population databases (rs771815745, gnomAD 0.02%). This variant has not been reported in the literature in individuals affected with ANKZF1-related conditions. ClinVar contains an entry for this variant (Variation ID: 1393995). An algorithm developed to predict the effect of missense changes on protein structure and function (PolyPhen-2) suggests that this variant is likely to be tolerated. In summary, the available evidence is currently insufficient to determine the role of this variant in disease. Therefore, it has been classified as a Variant of Uncertain Significance.

Ambry Genetics
Classification: Uncertain significance. Last evaluated: 2023-04-03. Review status: criteria provided, single submitter. Criteria: Ambry Variant Classification Scheme 2023. Collection method: clinical testing. Allele origin: germline.